The following is an entry in ClinVar:

ClinVar aggregate classification (germline): Conflicting classifications of pathogenicity. Review status: criteria provided, conflicting classifications (1 of 4 stars). 4 submissions from 4 submitters: Uncertain significance (1); Benign (1); Likely benign (2). Last evaluated 2025-10-27.

Conditions:
Primary familial polycythemia due to EPO receptor mutation. Also called: POLYCYTHEMIA, PRIMARY FAMILIAL AND CONGENITAL; Erythrocytosis, familial, 1; ERYTHROCYTOSIS, SOMATIC; Primary Familial Congenital Polycythemia. Identifiers: Orphanet 90042, MedGen C4551637, MONDO:0007572, OMIM 133100.

Allele frequency attached by ClinVar (database versions not stated): gnomAD 0.00096 and 0.00098; TOPMed 0.00102; ESP Exome Variant Server 0.00108; gnomAD exomes 0.00153 and 0.00093; ExAC 0.00075; 1000 Genomes Project 30x 0.00078; 1000 Genomes Project 0.00080.
gnomAD v4.1: 2,402 of 1,614,122 alleles (0.15%); highest among the groups gnomAD compares: Non-Finnish European, 0.18%; 3 homozygotes.

Submissions (4):

Mayo Clinic Laboratories, Mayo Clinic
Classification: Uncertain significance. Last evaluated: 2025-10-27. Review status: criteria provided, single submitter. Criteria: ACMG Guidelines, 2015. Collection method: clinical testing. Allele origin: germline. Observed: 2 variant alleles.
Comment: BP4, PM2_supporting

Labcorp Genetics (formerly Invitae), Labcorp
Classification: Likely benign. Last evaluated: 2025-06-17. Review status: criteria provided, single submitter. Criteria: Invitae Variant Classification Sherloc (09022015). Collection method: clinical testing. Allele origin: germline.

Blueprint Genetics
Classification: Likely benign. Last evaluated: 2024-10-14. Review status: criteria provided, single submitter. Criteria: ACMG Guidelines, 2015. Collection method: clinical testing. Allele origin: germline.

Illumina Laboratory Services, Illumina
Classification: Benign for Primary familial polycythemia due to EPO receptor mutation. Last evaluated: 2018-03-06. Review status: criteria provided, single submitter. Criteria: ICSL Variant Classification Criteria 13 December 2019. Collection method: clinical testing. Allele origin: germline.
Comment: This variant was observed in the ICSL laboratory as part of a predisposition screen in an ostensibly healthy population. It had not been previously curated by ICSL or reported in the Human Gene Mutation Database (HGMD: prior to June 1st, 2018), and was therefore a candidate for classification through an automated scoring system. Utilizing variant allele frequency, disease prevalence and penetrance estimates, and inheritance mode, an automated score was calculated to assess if this variant is too frequent to cause the disease. Based on the score and internal cut-off values, a variant classified as benign is not then subjected to further curation. The score for this variant resulted in a classification of benign for this disease.

Literature cited by the submitters: PubMed 38468832 (cited by Mayo Clinic Laboratories, Mayo Clinic).

NM_000121.4(EPOR):c.296C>T (p.Ala99Val)

Genes: EPOR (erythropoietin receptor; minus strand), LOC130063571 (ATAC-STARR-seq lymphoblastoid active region 14015; plus strand). Cytogenetic location: 19p13.2.
Variant type: single nucleotide variant.
Coding change: c.296C>T on transcript NM_000121.4 (MANE Select); coding-DNA position 296, C replaced by T.
Protein change: p.Ala99Val; replaces alanine 99 with valine.
Molecular consequence: missense variant. On other transcripts: non-coding transcript variant (1).
Genome position (GRCh38, 1-based): chr19:11,382,061, G>A on the plus strand (C>T on the coding strand, the complement: EPOR is on the minus strand). VCF-style: chr19-11382061-G-A. GRCh37 (hg19) VCF-style: chr19-11492737-G-A.
Other names: p.Ala99Val; short protein forms A99V.
Identifiers: ClinVar variation 713659 (VCV000713659.13), dbSNP rs146235694, ClinGen allele CA9210805.